The following is an entry in ClinVar:

NM_001256789.3(CACNA1F):c.722C>G (p.Ala241Gly)

Gene: CACNA1F (calcium voltage-gated channel subunit alpha1 F; minus strand). Cytogenetic location: Xp11.23.
Variant type: single nucleotide variant.
Coding change: c.722C>G on transcript NM_001256789.3 (MANE Select); coding-DNA position 722, C replaced by G.
Protein change: p.Ala241Gly; replaces alanine 241 with glycine.
Molecular consequence: missense variant.
Genome position (GRCh38, 1-based): chrX:49,230,315, G>C on the plus strand (C>G on the coding strand, the complement: CACNA1F is on the minus strand). VCF-style: chrX-49230315-G-C. GRCh37 (hg19) VCF-style: chrX-49086777-G-C.
Other names: c.527C>G, p.Ala176Gly (NM_001256790.3); c.722C>G, p.Ala241Gly (NM_005183.4); short protein forms A176G, A241G.
Identifiers: ClinVar variation 4799477 (VCV004799477.1).

ClinVar aggregate classification (germline): Uncertain significance (1 of 4 stars; one submission).

Submission:

Labcorp Genetics (formerly Invitae), Labcorp
Classification: Uncertain significance. Last evaluated: 2025-05-02. Review status: criteria provided, single submitter. Criteria: Invitae Variant Classification Sherloc (09022015). Collection method: clinical testing. Allele origin: germline.
Comment: This sequence change replaces alanine, which is neutral and non-polar, with glycine, which is neutral and non-polar, at codon 241 of the CACNA1F protein (p.Ala241Gly). This variant is not present in population databases (gnomAD no frequency). This variant has not been reported in the literature in individuals affected with CACNA1F-related conditions. Invitae Evidence Modeling of protein sequence and biophysical properties (such as structural, functional, and spatial information, amino acid conservation, physicochemical variation, residue mobility, and thermodynamic stability) indicates that this missense variant is not expected to disrupt CACNA1F protein function with a negative predictive value of 80%. In summary, the available evidence is currently insufficient to determine the role of this variant in disease. Therefore, it has been classified as a Variant of Uncertain Significance.